The following is an entry in ClinVar:

ClinVar aggregate classification (germline): Uncertain significance (1 of 4 stars; one submission).

Submission:

GeneDx
Classification: Uncertain significance. Last evaluated: 2022-09-12. Review status: criteria provided, single submitter. Criteria: GeneDx Variant Classification Process June 2021. Collection method: clinical testing. Allele origin: germline. Affected: yes.
Comment: Not observed at significant frequency in large population cohorts (gnomAD); In silico analysis suggests this variant may impact gene splicing. In the absence of RNA/functional studies, the actual effect of this sequence change is unknown.; Has not been previously published as pathogenic or benign to our knowledge

NM_001278116.2(L1CAM):c.2748A>T (p.Gly916=)

Gene: L1CAM (L1 cell adhesion molecule; minus strand). Cytogenetic location: Xq28.
Variant type: single nucleotide variant.
Coding change: c.2748A>T on transcript NM_001278116.2 (MANE Select); coding-DNA position 2748, A replaced by T.
Protein change: p.Gly916=; no amino-acid change (glycine 916 retained).
Molecular consequence: synonymous variant.
Genome position (GRCh38, 1-based): chrX:153,865,300, T>A on the plus strand (A>T on the coding strand, the complement: L1CAM is on the minus strand). VCF-style: chrX-153865300-T-A. GRCh37 (hg19) VCF-style: chrX-153130755-T-A.
Other names: c.2748A>T, p.Gly916= (NM_000425.5, NM_024003.3); c.2733A>T, p.Gly911= (NM_001143963.2).
Identifiers: ClinVar variation 2443600 (VCV002443600.1), dbSNP rs2520973850, ClinGen allele CA519343495.